The following is an entry in ClinVar:

NM_000701.8(ATP1A1):c.1554C>A (p.Cys518Ter)

Genes: ATP1A1 (ATPase Na+/K+ transporting subunit alpha 1; plus strand), ATP1A1-AS1 (ATP1A1 antisense RNA 1; minus strand). Cytogenetic location: 1p13.1.
Variant type: single nucleotide variant.
Coding change: c.1554C>A on transcript NM_000701.8 (MANE Select); coding-DNA position 1554, C replaced by A.
Protein change: p.Cys518Ter; replaces cysteine 518 with a stop codon.
Molecular consequence: nonsense.
Genome position (GRCh38, 1-based): chr1:116,393,617, C>A. VCF-style: chr1-116393617-C-A. GRCh37 (hg19) VCF-style: chr1-116936239-C-A.
Other names: p.Cys518*; c.1554C>A, p.Cys518Ter (NM_001160233.2); c.1461C>A, p.Cys487Ter (NM_001160234.2); short protein forms C487*, C518*.
Identifiers: ClinVar variation 4541382 (VCV004541382.1).

ClinVar aggregate classification (germline): Uncertain significance (1 of 4 stars; one submission).

Submission:

Mayo Clinic Laboratories, Mayo Clinic
Classification: Uncertain significance. Last evaluated: 2025-07-18. Review status: criteria provided, single submitter. Criteria: ACMG Guidelines, 2015. Collection method: clinical testing. Allele origin: germline. Observed: 1 variant allele.
Comment: PM2_supporting